The following is an entry in ClinVar:

ClinVar aggregate classification (germline): Uncertain significance (1 of 4 stars; one submission).

Submission:

Dasa
Classification: Uncertain significance. Last evaluated: 2025-12-19. Review status: criteria provided, single submitter. Criteria: DASA Assertion Criteria. Collection method: clinical testing. Allele origin: germline.
Comment: NM_000336.3(SCNN1B):c.1595del (p.Gly532Alafs*144) is a frameshift variant in SCNN1B predicted to alter the reading frame and introduce a premature termination codon and is predicted to result in an absent or altered protein product. This variant is rare in population databases. The currently available literature and clinical evidence are not sufficient to establish a definitive association between this variant and the reported condition. Therefore, this variant is classified as a variant of uncertain significance.

NM_000336.3(SCNN1B):c.1595del (p.Gly532fs)

Gene: SCNN1B (sodium channel epithelial 1 subunit beta; plus strand). Cytogenetic location: 16p12.2.
Variant type: Deletion.
Coding change: c.1595del on transcript NM_000336.3 (MANE Select); coding-DNA position 1595, one base deleted (G; older notation c.1595delG).
Protein change: p.Gly532fs; shifts the reading frame from glycine 532.
Molecular consequence: frameshift variant.
Genome position (GRCh38, 1-based): chr16:23,380,473, G deleted; the last of 6 consecutive G bases (chr16:23,380,468-23,380,473); deleting any one gives the same sequence. VCF-style (leftmost placement, unchanged base first): chr16-23380467-TG-T. GRCh37 (hg19) VCF-style: chr16-23391788-TG-T.
Other names: c.1487del, p.Gly496fs (NM_001410900.1); short protein forms G496fs, G532fs.
Identifiers: ClinVar variation 4883929 (VCV004883929.2).